The following is an entry in ClinVar:

NM_000540.3(RYR1):c.11097C>A (p.His3699Gln)

Gene: RYR1 (ryanodine receptor 1; plus strand). Cytogenetic location: 19q13.2.
Variant type: single nucleotide variant.
Coding change: c.11097C>A on transcript NM_000540.3 (MANE Select); coding-DNA position 11097, C replaced by A.
Protein change: p.His3699Gln; replaces histidine 3699 with glutamine.
Molecular consequence: missense variant.
Genome position (GRCh38, 1-based): chr19:38,529,013, C>A. VCF-style: chr19-38529013-C-A. GRCh37 (hg19) VCF-style: chr19-39019653-C-A.
Other names: c.11082C>A, p.His3694Gln (NM_001042723.2); short protein forms H3694Q, H3699Q.
Identifiers: ClinVar variation 3385549 (VCV003385549.1).

ClinVar aggregate classification (germline): Uncertain significance (1 of 4 stars; one submission).

Conditions:
Malignant hyperthermia, susceptibility to, 1 (MHS1). Also called: Anesthesia related hyperthermia; Malignant hyperpyrexia; Fulminating hyperpyrexia; Pharmacogenic myopathy; Malignant hyperthermia suceptibility 1; RYR1-Related Malignant Hyperthermia Susceptibility. Identifiers: Orphanet 423, MedGen C2930980, MONDO:0007783, OMIM 145600.

Submission:

All of Us Research Program, National Institutes of Health
Classification: Uncertain significance for Malignant hyperthermia, susceptibility to, 1. Last evaluated: 2024-07-29. Review status: criteria provided, single submitter. Criteria: ACMG Guidelines, 2015. Collection method: clinical testing. Allele origin: germline. Inheritance: Autosomal dominant inheritance. Observed: 1 variant allele, 1 heterozygote.
Comment: This missense variant replaces histidine with glutamine at codon 3699 of the RYR1 protein. Computational prediction is inconclusive regarding the impact of this variant on protein structure and function (internally defined REVEL score threshold 0.5 < inconclusive < 0.7, PMID: 27666373). To our knowledge, functional studies have not been reported for this variant. This variant has not been reported in individuals affected with RYR1-related disorders in the literature. This variant has not been identified in the general population by the Genome Aggregation Database (gnomAD). The available evidence is insufficient to determine the role of this variant in disease conclusively. Therefore, this variant is classified as a Variant of Uncertain Significance.

This study involves interpretation of variants in research participants for the purpose of population health screening. Participant phenotype was not available at the time of variant classification. Additional details can be found in publication PMID: 35346344, PMCID: PMC8962531